The following is an entry in ClinVar:

NM_018136.5(ASPM):c.7296dup (p.Ala2433fs)

Gene: ASPM (assembly factor for spindle microtubules; minus strand). Cytogenetic location: 1q31.3.
Variant type: Duplication.
Coding change: c.7296dup on transcript NM_018136.5 (MANE Select); coding-DNA position 7296, one base duplicated (A; older notation c.7296dupA).
Protein change: p.Ala2433fs; shifts the reading frame from alanine 2433.
Molecular consequence: frameshift variant. On other transcripts: intron variant (1).
Genome position (GRCh38, 1-based): chr1:197,101,955, T duplicated on the plus strand (A on the coding strand, the reverse complement: ASPM is on the minus strand); the first of 6 consecutive T bases (chr1:197,101,955-197,101,960); duplicating any one gives the same sequence. VCF-style (leftmost placement, unchanged base first): chr1-197101954-C-CT. GRCh37 (hg19) VCF-style: chr1-197071084-C-CT.
Other names: c.4066-5791dup (NM_001206846.2); short protein forms A2433fs.
Identifiers: ClinVar variation 234257 (VCV000234257.2), dbSNP rs876660959, ClinGen allele CA10577220.

ClinVar aggregate classification (germline): Pathogenic (1 of 4 stars; one submission).

Submission:

GeneDx
Classification: Pathogenic. Last evaluated: 2014-05-09. Review status: criteria provided, single submitter. Criteria: GeneDx Variant Classification (06012015). Collection method: clinical testing. Allele origin: germline. Affected: yes.
Comment: The c.7296dupA mutation in the ASPM gene causes a frameshift starting with codon Alanine 2433, changes this amino acid to a Serine residue and creates a premature Stop codon at position 18 of the new reading frame, denoted p.Ala2433SerfsX18 (A2433fsX18). This mutation is predicted to cause loss of normal protein function either through protein truncation or nonsense-mediated mRNA decay. Although this mutation has not been previously reported to our knowledge, it is considered a pathogenic mutation.